The following is an entry in ClinVar:

ClinVar aggregate classification (germline): Likely benign (0 of 4 stars; one submission).

Conditions:
THADA-related disorder. Also called: THADA-related condition.

Allele frequency attached by ClinVar (database versions not stated): ESP Exome Variant Server 0.00142; 1000 Genomes Project 0.00160; 1000 Genomes Project 30x 0.00187.
gnomAD v4.1: 524 of 1,604,270 alleles (0.033%); highest among the groups gnomAD compares: African/African-American, 0.62%; 3 homozygotes.

Submission:

PreventionGenetics, part of Exact Sciences
Classification: Likely benign for THADA-related condition. Last evaluated: 2019-06-10. Review status: no assertion criteria provided. Collection method: clinical testing. Allele origin: germline.
Comment: This variant is classified as likely benign based on ACMG/AMP sequence variant interpretation guidelines (Richards et al. 2015 PMID: 25741868, with internal and published modifications).

NM_022065.5(THADA):c.5852C>G (p.Ala1951Gly)

Gene: THADA (THADA armadillo repeat containing; minus strand). Cytogenetic location: 2p21.
Variant type: single nucleotide variant.
Coding change: c.5852C>G on transcript NM_022065.5 (MANE Select); coding-DNA position 5852, C replaced by G.
Protein change: p.Ala1951Gly; replaces alanine 1951 with glycine.
Molecular consequence: missense variant. On other transcripts: non-coding transcript variant (2).
Genome position (GRCh38, 1-based): chr2:43,230,958, G>C on the plus strand (C>G on the coding strand, the complement: THADA is on the minus strand). VCF-style: chr2-43230958-G-C. GRCh37 (hg19) VCF-style: chr2-43458097-G-C.
Other names: c.5852C>G, p.Ala1951Gly (NM_001083953.2, NM_001345925.2); c.5849C>G, p.Ala1950Gly (NM_001345923.2); c.5729C>G, p.Ala1910Gly (NM_001345924.2); c.*1923C>G (NM_198554.1); short protein forms A1910G, A1950G, A1951G.
Identifiers: ClinVar variation 3043703 (VCV003043703.2), dbSNP rs114015985, ClinGen allele CA1631807.